The following is an entry in ClinVar:

NC_000022.10:g.(?_34157338)_(34157463_?)del

Gene: LARGE1 (LARGE xylosyl- and glucuronyltransferase 1; minus strand). Cytogenetic location: 22q12.3.
Variant type: Deletion.
Identifiers: ClinVar variation 1459070 (VCV001459070.7).

ClinVar aggregate classification (germline): Pathogenic (1 of 4 stars; one submission).

Conditions:
Muscular dystrophy-dystroglycanopathy type B6 (MDDGB6). Also called: MUSCULAR DYSTROPHY-DYSTROGLYCANOPATHY (CONGENITAL WITH IMPAIRED INTELLECTUAL DEVELOPMENT), TYPE B, 6; MUSCULAR DYSTROPHY, CONGENITAL, LARGE-RELATED; MUSCULAR DYSTROPHY, CONGENITAL, TYPE 1D. Identifiers: MedGen C1837229, MONDO:0012138, OMIM 608840.

Submission:

Labcorp Genetics (formerly Invitae), Labcorp
Classification: Pathogenic for Muscular dystrophy-dystroglycanopathy type B6. Last evaluated: 2024-01-04. Review status: criteria provided, single submitter. Criteria: Invitae Variant Classification Sherloc (09022015). Collection method: clinical testing. Allele origin: germline.
Comment: This variant is a gross deletion of the genomic region encompassing exon(s) 3 of the LARGE1 gene, which includes the initiator codon. This deletion extends beyond the assayed region for this gene and therefore may encompass additional genes. It is expected to result in an absent or disrupted protein product. Loss-of-function variants in LARGE1 are known to be pathogenic (PMID: 12966029, 17878207). This variant has not been reported in the literature in individuals affected with LARGE1-related conditions. For these reasons, this variant has been classified as Pathogenic.

Literature cited by the submitters: PubMed 12966029; PubMed 17878207.